The following is an entry in ClinVar:

NM_015272.5(RPGRIP1L):c.3616+9G>T

Gene: RPGRIP1L (RPGRIP1 like; minus strand). Cytogenetic location: 16q12.2.
Variant type: single nucleotide variant.
Coding change: c.3616+9G>T on transcript NM_015272.5 (MANE Select); 9 bases into the intron after coding-DNA position 3616, G replaced by T.
Molecular consequence: intron variant.
Genome position (GRCh38, 1-based): chr16:53,619,016, C>A on the plus strand (G>T on the coding strand, the complement: RPGRIP1L is on the minus strand). VCF-style: chr16-53619016-C-A. GRCh37 (hg19) VCF-style: chr16-53652928-C-A.
Other names: c.3376+9G>T (NM_001127897.4); c.3514+9G>T (NM_001330538.2); c.3478+9G>T (NM_001308334.3); c.3616+9G>T (NM_015272.4).
Identifiers: ClinVar variation 1097402 (VCV001097402.12), dbSNP rs934455196, ClinGen allele CA281356818.

ClinVar aggregate classification (germline): Likely benign. Review status: criteria provided, multiple submitters, no conflicts (2 of 4 stars). 4 submissions from 4 submitters: Likely benign (4). Last evaluated 2025-11-14.

Conditions:
Meckel syndrome, type 5 (MKS5). Identifiers: Orphanet 564, MedGen C1969052, MONDO:0012695, OMIM 611561.
Joubert syndrome 7 (JBTS7). Identifiers: Orphanet 220497, MedGen C1969053, MONDO:0012694, OMIM 611560.
COACH syndrome 3. Identifiers: MedGen C5436841, MONDO:0030862, OMIM 619113.
RPGRIP1L-related disorder. Also called: RPGRIP1L-related condition; RPGRIP1L-related disorders. Identifiers: MedGen CN239416.
Meckel-Gruber syndrome. Also called: DYSENCEPHALIA SPLANCHNOCYSTICA; Dysencephalia splachnocystica; GRUBER SYNDROME. Identifiers: Orphanet 564, MedGen C0265215, MONDO:0018921.
Joubert syndrome. Also called: Familial aplasia of the vermis; JOUBERT-BOLTSHAUSER SYNDROME. Identifiers: Orphanet 475, MedGen C5979921, MONDO:0018772.

Allele frequency attached by ClinVar (database versions not stated): gnomAD exomes 0.00001; TOPMed 0.00002.
gnomAD v4.1: 6 of 1,600,844 alleles (0.00037%); highest among the groups gnomAD compares: Non-Finnish European, 0.00051%; no homozygotes.

Submissions (4):

PreventionGenetics, part of Exact Sciences
Classification: Likely benign for RPGRIP1L-related condition. Last evaluated: 2025-11-14. Review status: criteria provided, single submitter. Criteria: ACMG Guidelines, 2015. Collection method: clinical testing. Allele origin: germline.
Comment: This variant is classified as likely benign based on ACMG/AMP sequence variant interpretation guidelines (Richards et al. 2015 PMID: 25741868, with internal and published modifications).

Labcorp Genetics (formerly Invitae), Labcorp
Classification: Likely benign for Joubert syndrome; Meckel-Gruber syndrome. Last evaluated: 2023-09-21. Review status: criteria provided, single submitter. Criteria: Invitae Variant Classification Sherloc (09022015). Collection method: clinical testing. Allele origin: germline.

Fulgent Genetics
Classification: Likely benign for Joubert syndrome 7; Meckel syndrome, type 5; COACH syndrome 3. Last evaluated: 2021-11-18. Review status: criteria provided, single submitter. Criteria: ACMG Guidelines, 2015. Collection method: clinical testing. Allele origin: unknown.

Blueprint Genetics
Classification: Likely benign. Last evaluated: 2020-11-26. Review status: criteria provided, single submitter. Criteria: ACMG Guidelines, 2015. Collection method: clinical testing. Allele origin: germline.